The following is an entry in ClinVar:

ClinVar aggregate classification (germline): Uncertain significance (1 of 4 stars; one submission).

Submission:

Labcorp Genetics (formerly Invitae), Labcorp
Classification: Uncertain significance. Last evaluated: 2024-08-07. Review status: criteria provided, single submitter. Criteria: Invitae Variant Classification Sherloc (09022015). Collection method: clinical testing. Allele origin: germline.
Comment: This sequence change creates a premature translational stop signal (p.Lys101Argfs*4) in the MTMR14 gene. It is expected to result in an absent or disrupted protein product. However, the current clinical and genetic evidence is not sufficient to establish whether loss-of-function variants in MTMR14 cause disease. This variant is present in population databases (rs753430052, gnomAD 0.004%). This variant has not been reported in the literature in individuals affected with MTMR14-related conditions. In summary, the available evidence is currently insufficient to determine the role of this variant in disease. Therefore, it has been classified as a Variant of Uncertain Significance.

NM_001077525.3(MTMR14):c.302_303del (p.Lys101fs)

Gene: MTMR14 (myotubularin related protein 14; plus strand). Cytogenetic location: 3p25.3.
Variant type: Deletion.
Coding change: c.302_303del on transcript NM_001077525.3 (MANE Select); coding-DNA positions 302 to 303, 2 bases deleted (AA; older notation c.302_303delAA).
Protein change: p.Lys101fs; shifts the reading frame from lysine 101.
Molecular consequence: frameshift variant. On other transcripts: 5 prime UTR variant (14), non-coding transcript variant (8), intron variant (6).
Genome position (GRCh38, 1-based): chr3:9,653,763-9,653,764, AA deleted; deleting any 2 consecutive bases within chr3:9,653,762-9,653,764 gives the same sequence; the c. name uses the placement nearest the transcript's 3' end. VCF-style (leftmost placement, unchanged base first): chr3-9653761-GAA-G. GRCh37 (hg19) VCF-style: chr3-9695445-GAA-G.
Other names: c.302_303del, p.Lys101fs (NM_001077526.3, NM_001400519.1, NM_001400520.1 and 9 more transcripts); c.371_372del, p.Lys124fs (NM_001400518.1, NM_001400521.1, NM_001400526.1); c.-204_-203del (NM_001400533.1, NM_001400539.1, NM_001400545.1); c.-265_-264del (NM_001400534.1, NM_001400538.1, NM_001400541.1 and 3 more transcripts); c.-232_-231del (NM_001400540.1); c.-277_-276del (NM_001400544.1); c.-414_-413del (NM_001400547.1); c.-338_-337del (NM_001400548.1); and 4 more; short protein forms K101fs, K124fs.
Identifiers: ClinVar variation 3699208 (VCV003699208.2).
Genomic context (GRCh38, chr3:9,653,761, plus strand): 5'-TATCTGTGGCCACTATCCCCGGCACATCGTGTTCCTGGAGTATGAGAGTTCTGAGAAGGA[GAA>G]AGACACGTGAGCATCATGTGACCGTAGTGTACATGTCTGGGGAGTCCGTGGCAGCTAATC-3'